The following is an entry in ClinVar:

NM_025145.7(CFAP43):c.678C>T (p.Pro226=)

Gene: CFAP43 (cilia and flagella associated protein 43; minus strand). Cytogenetic location: 10q25.1.
Variant type: single nucleotide variant.
Coding change: c.678C>T on transcript NM_025145.7 (MANE Select); coding-DNA position 678, C replaced by T.
Protein change: p.Pro226=; no amino-acid change (proline 226 retained).
Molecular consequence: synonymous variant.
Genome position (GRCh38, 1-based): chr10:104,212,064, G>A on the plus strand (C>T on the coding strand, the complement: CFAP43 is on the minus strand). VCF-style: chr10-104212064-G-A. GRCh37 (hg19) VCF-style: chr10-105971822-G-A.
Identifiers: ClinVar variation 3043025 (VCV003043025.2), dbSNP rs144195868, ClinGen allele CA5681161.

ClinVar aggregate classification (germline): Likely benign (0 of 4 stars; one submission).

Conditions:
CFAP43-related disorder. Also called: CFAP43-related condition.

Allele frequency attached by ClinVar (database versions not stated): gnomAD exomes 0.00004; gnomAD 0.00005; TOPMed 0.00007; ExAC 0.00008; ESP Exome Variant Server 0.00008.
gnomAD v4.1: 64 of 1,613,662 alleles (0.004%); highest among the groups gnomAD compares: Non-Finnish European, 0.0019%; no homozygotes.

Submission:

PreventionGenetics, part of Exact Sciences
Classification: Likely benign for CFAP43-related condition. Last evaluated: 2019-06-27. Review status: no assertion criteria provided. Collection method: clinical testing. Allele origin: germline.
Comment: This variant is classified as likely benign based on ACMG/AMP sequence variant interpretation guidelines (Richards et al. 2015 PMID: 25741868, with internal and published modifications).